The following is an entry in ClinVar:

NM_000179.3(MSH6):c.3596G>C (p.Ser1199Thr)

Gene: MSH6 (mutS homolog 6; plus strand). Cytogenetic location: 2p16.3.
Variant type: single nucleotide variant.
Coding change: c.3596G>C on transcript NM_000179.3 (MANE Select); coding-DNA position 3596, G replaced by C.
Protein change: p.Ser1199Thr; replaces serine 1199 with threonine.
Molecular consequence: missense variant.
Genome position (GRCh38, 1-based): chr2:47,805,657, G>C. VCF-style: chr2-47805657-G-C. GRCh37 (hg19) VCF-style: chr2-48032796-G-C.
Other names: c.3206G>C, p.Ser1069Thr (NM_001281492.2); c.2690G>C, p.Ser897Thr (NM_001281493.2, NM_001281494.2); short protein forms S1199T, S1069T, S897T.
Identifiers: ClinVar variation 419744 (VCV000419744.11), dbSNP rs773185557, ClinGen allele CA16617703.
Genomic context (GRCh38, chr2:47,805,657, plus strand): 5'-TGTGATTTTTTTTTTTTTAAGGTGAAAGTACATTTTTTGTTGAATTAAGTGAAACTGCCA[G>C]CATACTCATGCATGCAACAGCACATTCTCTGGTGCTTGTGGATGAATTAGGTAAGACATT-3'
Protein context (NP_000170.1, residues 1189-1209): TFFVELSETA[Ser1199Thr]ILMHATAHSL

ClinVar aggregate classification (germline): Uncertain significance. Review status: criteria provided, multiple submitters, no conflicts (2 of 4 stars). 2 submissions from 2 submitters: Uncertain significance (2). Last evaluated 2024-06-25.

Conditions:
Hereditary nonpolyposis colorectal neoplasms. Identifiers: MedGen C0009405, MeSH D003123.

gnomAD v4.1: 1 of 1,613,332 alleles (0.000062%); highest among the groups gnomAD compares: Non-Finnish European, 0.000085%; no homozygotes.

Submissions (2):

Labcorp Genetics (formerly Invitae), Labcorp
Classification: Uncertain significance for Hereditary nonpolyposis colorectal neoplasms. Last evaluated: 2024-06-25. Review status: criteria provided, single submitter. Criteria: Invitae Variant Classification Sherloc (09022015). Collection method: clinical testing. Allele origin: germline.
Comment: This sequence change replaces serine, which is neutral and polar, with threonine, which is neutral and polar, at codon 1199 of the MSH6 protein (p.Ser1199Thr). This variant is not present in population databases (gnomAD no frequency). This variant has not been reported in the literature in individuals affected with MSH6-related conditions. ClinVar contains an entry for this variant (Variation ID: 419744). Advanced modeling of protein sequence and biophysical properties (such as structural, functional, and spatial information, amino acid conservation, physicochemical variation, residue mobility, and thermodynamic stability) performed at Invitae indicates that this missense variant is not expected to disrupt MSH6 protein function with a negative predictive value of 95%. In summary, the available evidence is currently insufficient to determine the role of this variant in disease. Therefore, it has been classified as a Variant of Uncertain Significance.

GeneDx
Classification: Uncertain significance. Last evaluated: 2015-08-26. Review status: criteria provided, single submitter. Criteria: GeneDx Variant Classification (06012015). Collection method: clinical testing. Allele origin: germline. Affected: yes.
Comment: This variant is denoted MSH6 c.3596G>C at the cDNA level, p.Ser1199Thr (S1199T) at the protein level, and results in the change of a Serine to a Threonine (AGC>ACC). This variant has not, to our knowledge, been published in the literature as pathogenic or benign. MSH6 Ser1199Thr was not observed in approximately 6,500 individuals of European and African American ancestry in the NHLBI Exome Sequencing Project, indicating it is not a common benign variant in these populations. Since Serine and Threonine share similar properties, this is considered a conservative amino acid substitution. MSH6 Ser1199Thr occurs at a conserved position and is located within domain V of the MutS domain (Terui 2013). In silico analyses are inconsistent regarding the effect this variant may have on protein structure and function. Based on currently available information, it is unclear whether MSH6 Ser1199Thr is pathogenic or benign. We consider it to be a variant of uncertain significance.